The following is an entry in ClinVar:

NM_004006.3(DMD):c.1843C>T (p.Gln615Ter)

Gene: DMD (dystrophin; minus strand). Cytogenetic location: Xp21.1.
Variant type: single nucleotide variant.
Coding change: c.1843C>T on transcript NM_004006.3 (MANE Select); coding-DNA position 1843, C replaced by T.
Protein change: p.Gln615Ter; replaces glutamine 615 with a stop codon.
Molecular consequence: nonsense.
Genome position (GRCh38, 1-based): chrX:32,565,851, G>A on the plus strand (C>T on the coding strand, the complement: DMD is on the minus strand). VCF-style: chrX-32565851-G-A. GRCh37 (hg19) VCF-style: chrX-32583968-G-A.
Other names: p.Gln615*; c.1819C>T, p.Gln607Ter (NM_000109.4); c.1831C>T, p.Gln611Ter (NM_004009.3); c.1474C>T, p.Gln492Ter (NM_004010.3); short protein forms Q492*, Q607*, Q611*, Q615*.
Identifiers: ClinVar variation 1322224 (VCV001322224.10), dbSNP rs2149095456, ClinGen allele CA412672941.

ClinVar aggregate classification (germline): Pathogenic. Review status: criteria provided, multiple submitters, no conflicts (2 of 4 stars). 2 submissions from 2 submitters: Pathogenic (2). Last evaluated 2023-10-13.

Conditions:
Duchenne muscular dystrophy (DMD). Also called: MUSCULAR DYSTROPHY, PSEUDOHYPERTROPHIC PROGRESSIVE, DUCHENNE TYPE; Duchenne Muscular Dystrophy (DMD). Identifiers: Orphanet 98896, MedGen C0013264, MONDO:0010679, OMIM 310200.

Submissions (2):

Labcorp Genetics (formerly Invitae), Labcorp
Classification: Pathogenic for Duchenne muscular dystrophy. Last evaluated: 2023-10-13. Review status: criteria provided, single submitter. Criteria: Invitae Variant Classification Sherloc (09022015). Collection method: clinical testing. Allele origin: germline.
Comment: This sequence change creates a premature translational stop signal (p.Gln615*) in the DMD gene. It is expected to result in an absent or disrupted protein product. Loss-of-function variants in DMD are known to be pathogenic (PMID: 16770791, 25007885). This variant is not present in population databases (gnomAD no frequency). This premature translational stop signal has been observed in individual(s) with Duchenne and/or Becker muscular dystrophy (PMID: 19065519, 25972034, 29973226). ClinVar contains an entry for this variant (Variation ID: 1322224). For these reasons, this variant has been classified as Pathogenic.

Mayo Clinic Laboratories, Mayo Clinic
Classification: Pathogenic. Last evaluated: 2023-04-19. Review status: criteria provided, single submitter. Criteria: ACMG Guidelines, 2015. Collection method: clinical testing. Allele origin: germline. Observed: 1 variant allele.
Comment: PP4, PM2, PS4_moderate, PVS1

Literature cited by the submitters: PubMed 16770791 (cited by Labcorp Genetics (formerly Invitae), Labcorp); PubMed 25007885 (cited by Labcorp Genetics (formerly Invitae), Labcorp); PubMed 19065519 (cited by Labcorp Genetics (formerly Invitae), Labcorp and Mayo Clinic Laboratories, Mayo Clinic); PubMed 25972034 (cited by Labcorp Genetics (formerly Invitae), Labcorp and Mayo Clinic Laboratories, Mayo Clinic); PubMed 29973226 (cited by Labcorp Genetics (formerly Invitae), Labcorp and Mayo Clinic Laboratories, Mayo Clinic); PubMed 28503591 (cited by Mayo Clinic Laboratories, Mayo Clinic); PubMed 34950096 (cited by Mayo Clinic Laboratories, Mayo Clinic).